The following is an entry in ClinVar:

ClinVar aggregate classification (germline): Uncertain significance (1 of 4 stars; one submission).

Conditions:
Hereditary cancer-predisposing syndrome. Also called: Neoplastic Syndromes, Hereditary; Tumor predisposition; Hereditary Cancer Syndrome; Hereditary neoplastic syndrome. Identifiers: Orphanet 140162, MedGen C0027672, MeSH D009386, MONDO:0015356.

Submission:

Ambry Genetics
Classification: Uncertain significance for Hereditary cancer-predisposing syndrome. Last evaluated: 2022-05-19. Review status: criteria provided, single submitter. Criteria: Ambry Variant Classification Scheme 2023. Collection method: clinical testing. Allele origin: germline.
Comment: The p.H283Y variant (also known as c.847C>T), located in coding exon 8 of the MRE11A gene, results from a C to T substitution at nucleotide position 847. The histidine at codon 283 is replaced by tyrosine, an amino acid with similar properties. This amino acid position is conserved. In addition, this alteration is predicted to be deleterious by in silico analysis. Since supporting evidence is limited at this time, the clinical significance of this alteration remains unclear.

NM_005591.4(MRE11):c.847C>T (p.His283Tyr)

Gene: MRE11 (MRE11 double strand break repair nuclease; minus strand). Cytogenetic location: 11q21.
Variant type: single nucleotide variant.
Coding change: c.847C>T on transcript NM_005591.4 (MANE Select); coding-DNA position 847, C replaced by T.
Protein change: p.His283Tyr; replaces histidine 283 with tyrosine.
Molecular consequence: missense variant.
Genome position (GRCh38, 1-based): chr11:94,470,641, G>A on the plus strand (C>T on the coding strand, the complement: MRE11 is on the minus strand). VCF-style: chr11-94470641-G-A. GRCh37 (hg19) VCF-style: chr11-94203807-G-A.
Other names: c.847C>T, p.His283Tyr (NM_001330347.2, NM_005590.4); short protein forms H283Y.
Identifiers: ClinVar variation 1800040 (VCV001800040.2), dbSNP rs2135040883, ClinGen allele CA382374935.